The following is an entry in ClinVar:

NM_000094.4(COL7A1):c.1942A>G (p.Thr648Ala)

Gene: COL7A1 (collagen type VII alpha 1 chain; minus strand). Cytogenetic location: 3p21.31.
Variant type: single nucleotide variant.
Coding change: c.1942A>G on transcript NM_000094.4 (MANE Select); coding-DNA position 1942, A replaced by G.
Protein change: p.Thr648Ala; replaces threonine 648 with alanine.
Molecular consequence: missense variant.
Genome position (GRCh38, 1-based): chr3:48,590,321, T>C on the plus strand (A>G on the coding strand, the complement: COL7A1 is on the minus strand). VCF-style: chr3-48590321-T-C. GRCh37 (hg19) VCF-style: chr3-48627754-T-C.
Other names: short protein forms T648A.
Identifiers: ClinVar variation 4749312 (VCV004749312.1).

ClinVar aggregate classification (germline): Uncertain significance (1 of 4 stars; one submission).

gnomAD v4.1: 2 of 1,614,028 alleles (0.00012%); highest among the groups gnomAD compares: Admixed American, 0.0017%; no homozygotes.

Submission:

Labcorp Genetics (formerly Invitae), Labcorp
Classification: Uncertain significance. Last evaluated: 2025-12-09. Review status: criteria provided, single submitter. Criteria: Invitae Variant Classification Sherloc (09022015). Collection method: clinical testing. Allele origin: germline.
Comment: This sequence change replaces threonine, which is neutral and polar, with alanine, which is neutral and non-polar, at codon 648 of the COL7A1 protein (p.Thr648Ala). This variant is not present in population databases (gnomAD no frequency). This variant has not been reported in the literature in individuals affected with COL7A1-related conditions. Invitae Evidence Modeling of protein sequence and biophysical properties (such as structural, functional, and spatial information, amino acid conservation, physicochemical variation, residue mobility, and thermodynamic stability) indicates that this missense variant is not expected to disrupt COL7A1 protein function with a negative predictive value of 95%. In summary, the available evidence is currently insufficient to determine the role of this variant in disease. Therefore, it has been classified as a Variant of Uncertain Significance.